The following is an entry in ClinVar:

NM_002691.4(POLD1):c.317-4A>C

Gene: POLD1 (DNA polymerase delta 1, catalytic subunit; plus strand). Cytogenetic location: 19q13.33.
Variant type: single nucleotide variant.
Coding change: c.317-4A>C on transcript NM_002691.4 (MANE Select); 4 bases into the intron before coding-DNA position 317, A replaced by C.
Molecular consequence: intron variant.
Genome position (GRCh38, 1-based): chr19:50,401,774, A>C. VCF-style: chr19-50401774-A-C. GRCh37 (hg19) VCF-style: chr19-50905031-A-C.
Other names: c.317-4A>C (NM_001256849.1, NM_001308632.1).
Identifiers: ClinVar variation 1692705 (VCV001692705.1), dbSNP rs753078201, ClinGen allele CA9595697.

ClinVar aggregate classification (germline): Uncertain significance (1 of 4 stars; one submission).

Conditions:
Hereditary cancer-predisposing syndrome. Also called: Hereditary Cancer Syndrome; Hereditary neoplastic syndrome; Neoplastic Syndromes, Hereditary; Tumor predisposition. Identifiers: Orphanet 140162, MedGen C0027672, MeSH D009386, MONDO:0015356.

Allele frequency attached by ClinVar (database versions not stated): gnomAD exomes 0.00001; ExAC 0.00022.
gnomAD v4.1: 18 of 1,609,504 alleles (0.0011%); highest among the groups gnomAD compares: Middle Eastern, 0.018%; no homozygotes.

Submission:

Sema4
Classification: Uncertain significance for Hereditary cancer-predisposing syndrome. Last evaluated: 2021-05-18. Review status: criteria provided, single submitter. Criteria: Sema4 Curation Guidelines. Collection method: curation. Allele origin: germline.
Comment: The POLD1 c.317-4A>C variant has not been reported in the literature to our knowledge. This variant was observed in 2/14842 chromosomes in the African/African American subpopulation according to the Genome Aggregation Database (PMID: 32461654). This variant has not been reported in ClinVar. In silico tools suggest the impact of the variant on protein function is benign, though these predictions have not been confirmed by functional studies. The overall evidence is insufficient to meet ACMG/AMP criteria for classifying it as benign or pathogenic. In summary, the clinical significance of this variant is currently uncertain.